The following is an entry in ClinVar:

ClinVar aggregate classification (germline): Uncertain significance (1 of 4 stars; one submission).

Conditions:
Hereditary cancer-predisposing syndrome. Also called: Neoplastic Syndromes, Hereditary; Tumor predisposition; Hereditary Cancer Syndrome; Hereditary neoplastic syndrome. Identifiers: Orphanet 140162, MedGen C0027672, MeSH D009386, MONDO:0015356.

Submission:

Ambry Genetics
Classification: Uncertain significance for Hereditary cancer-predisposing syndrome. Last evaluated: 2022-10-31. Review status: criteria provided, single submitter. Criteria: Ambry Variant Classification Scheme 2023. Collection method: clinical testing. Allele origin: germline.
Comment: The p.C727Y variant (also known as c.2180G>A), located in coding exon 20 of the POLE gene, results from a G to A substitution at nucleotide position 2180. The cysteine at codon 727 is replaced by tyrosine, an amino acid with highly dissimilar properties. This amino acid position is conserved. In addition, the in silico prediction for this alteration is inconclusive. Since supporting evidence is limited at this time, the clinical significance of this alteration remains unclear.

NM_006231.4(POLE):c.2180G>A (p.Cys727Tyr)

Gene: POLE (DNA polymerase epsilon, catalytic subunit; minus strand). Cytogenetic location: 12q24.33.
Variant type: single nucleotide variant.
Coding change: c.2180G>A on transcript NM_006231.4 (MANE Select); coding-DNA position 2180, G replaced by A.
Protein change: p.Cys727Tyr; replaces cysteine 727 with tyrosine.
Molecular consequence: missense variant.
Genome position (GRCh38, 1-based): chr12:132,667,642, C>T on the plus strand (G>A on the coding strand, the complement: POLE is on the minus strand). VCF-style: chr12-132667642-C-T. GRCh37 (hg19) VCF-style: chr12-133244228-C-T.
Other names: short protein forms C727Y.
Identifiers: ClinVar variation 1787265 (VCV001787265.3), dbSNP rs2135971191, ClinGen allele CA387353320.